The following is an entry in ClinVar:

ClinVar aggregate classification (germline): Uncertain significance. Review status: criteria provided, multiple submitters, no conflicts (2 of 4 stars). 2 submissions from 2 submitters: Uncertain significance (2). Last evaluated 2025-11-19.

Conditions:
Inborn genetic diseases. Identifiers: MedGen C0950123, MeSH D030342.

Submissions (2):

Ambry Genetics
Classification: Uncertain significance for Inborn genetic diseases. Last evaluated: 2025-11-19. Review status: criteria provided, single submitter. Criteria: Ambry Variant Classification Scheme 2023. Collection method: clinical testing. Allele origin: germline.

Labcorp Genetics (formerly Invitae), Labcorp
Classification: Uncertain significance. Last evaluated: 2021-12-17. Review status: criteria provided, single submitter. Criteria: Invitae Variant Classification Sherloc (09022015). Collection method: clinical testing. Allele origin: germline.
Comment: This sequence change replaces leucine, which is neutral and non-polar, with valine, which is neutral and non-polar, at codon 741 of the NBAS protein (p.Leu741Val). In summary, the available evidence is currently insufficient to determine the role of this variant in disease. Therefore, it has been classified as a Variant of Uncertain Significance. Algorithms developed to predict the effect of missense changes on protein structure and function are either unavailable or do not agree on the potential impact of this missense change (SIFT: "Deleterious"; PolyPhen-2: "Benign"; Align-GVGD: "Class C25"). This variant has not been reported in the literature in individuals affected with NBAS-related conditions. This variant is not present in population databases (gnomAD no frequency).

NM_015909.4(NBAS):c.2221C>G (p.Leu741Val)

Gene: NBAS (NBAS subunit of NRZ tethering complex; minus strand). Cytogenetic location: 2p24.3.
Variant type: single nucleotide variant.
Coding change: c.2221C>G on transcript NM_015909.4 (MANE Select); coding-DNA position 2221, C replaced by G.
Protein change: p.Leu741Val; replaces leucine 741 with valine.
Molecular consequence: missense variant. On other transcripts: non-coding transcript variant (1).
Genome position (GRCh38, 1-based): chr2:15,461,319, G>C on the plus strand (C>G on the coding strand, the complement: NBAS is on the minus strand). VCF-style: chr2-15461319-G-C. GRCh37 (hg19) VCF-style: chr2-15601443-G-C.
Other names: c.2221C>G (NM_015909.2); short protein forms L741V.
Identifiers: ClinVar variation 2045368 (VCV002045368.5), dbSNP rs2528076151, ClinGen allele CA345880994.
Genomic context (GRCh38, chr2:15,461,319, plus strand): 5'-ACAGAATTGCAAGGCGATGAGGAAGCAGGTCGGAACCATGGTAAGTAAACAGAATTTCCA[G>C]GGCTTGTACATTACTTTCCTGTACAAAAGGCAAGGGGTAAGTTTCTAATGTAAATCTAAG-3'
Protein context (NP_056993.2, residues 731-751): TYAQESNVQA[Leu741Val]EILFTYHGSD